The following is an entry in ClinVar:

NM_000188.3(HK1):c.2231T>A (p.Met744Lys)

Gene: HK1 (hexokinase 1; plus strand). Cytogenetic location: 10q22.1.
Variant type: single nucleotide variant.
Coding change: c.2231T>A on transcript NM_000188.3 (MANE Select); coding-DNA position 2231, T replaced by A.
Protein change: p.Met744Lys; replaces methionine 744 with lysine.
Molecular consequence: missense variant.
Genome position (GRCh38, 1-based): chr10:69,394,961, T>A. VCF-style: chr10-69394961-T-A. GRCh37 (hg19) VCF-style: chr10-71154717-T-A.
Other names: c.2243T>A, p.Met748Lys (NM_001322364.2, NM_001358263.1, NM_033497.3 and 1 more transcripts); c.2336T>A, p.Met779Lys (NM_001322365.2); c.2147T>A, p.Met716Lys (NM_001322366.1); c.2135T>A, p.Met712Lys (NM_001322367.1); c.2228T>A, p.Met743Lys (NM_033496.3); c.2195T>A, p.Met732Lys (NM_033500.2); short protein forms M712K, M716K, M732K, M743K, M744K, M748K, M779K.
Identifiers: ClinVar variation 3371502 (VCV003371502.1).

ClinVar aggregate classification (germline): Uncertain significance (1 of 4 stars; one submission).

gnomAD v4.1: 2 of 1,614,040 alleles (0.00012%); highest among the groups gnomAD compares: Non-Finnish European, 0.000085%; no homozygotes.

Submission:

GeneDx
Classification: Uncertain significance. Last evaluated: 2024-03-23. Review status: criteria provided, single submitter. Criteria: GeneDx Variant Classification Process June 2021. Collection method: clinical testing. Allele origin: germline. Affected: yes.
Comment: In silico analysis supports that this missense variant has a deleterious effect on protein structure/function; Has not been previously published as pathogenic or benign to our knowledge